The following is an entry in ClinVar:

NM_152564.5(VPS13B):c.107T>A (p.Val36Glu)

Gene: VPS13B (vacuolar protein sorting 13 homolog B; plus strand). Cytogenetic location: 8q22.2.
Variant type: single nucleotide variant.
Coding change: c.107T>A on transcript NM_152564.5 (MANE Select); coding-DNA position 107, T replaced by A.
Protein change: p.Val36Glu; replaces valine 36 with glutamic acid.
Molecular consequence: missense variant. On other transcripts: non-coding transcript variant (1).
Genome position (GRCh38, 1-based): chr8:99,013,895, T>A. VCF-style: chr8-99013895-T-A. GRCh37 (hg19) VCF-style: chr8-100026123-T-A.
Other names: c.107T>A, p.Val36Glu (NM_015243.3, NM_017890.5, NM_181661.3); short protein forms V36E.
Identifiers: ClinVar variation 1468163 (VCV001468163.6), dbSNP rs1433110217, ClinGen allele CA371856385.

ClinVar aggregate classification (germline): Uncertain significance (1 of 4 stars; one submission).

Conditions:
Cohen syndrome (COH1). Also called: PEPPER SYNDROME; Cutis verticis gyrata, retinitis pigmentosa, and sensorineural deafness. Identifiers: Orphanet 193, MedGen C0265223, MONDO:0008999, OMIM 216550.

Submission:

Labcorp Genetics (formerly Invitae), Labcorp
Classification: Uncertain significance for Cohen syndrome. Last evaluated: 2020-12-15. Review status: criteria provided, single submitter. Criteria: Invitae Variant Classification Sherloc (09022015). Collection method: clinical testing. Allele origin: germline.
Comment: In summary, the available evidence is currently insufficient to determine the role of this variant in disease. Therefore, it has been classified as a Variant of Uncertain Significance. Algorithms developed to predict the effect of missense changes on protein structure and function are either unavailable or do not agree on the potential impact of this missense change (SIFT: "Not Available"; PolyPhen-2: "Benign"; Align-GVGD: "Not Available"). This variant has not been reported in the literature in individuals with VPS13B-related conditions. This variant is not present in population databases (ExAC no frequency). This sequence change replaces valine with glutamic acid at codon 36 of the VPS13B protein (p.Val36Glu). The valine residue is weakly conserved and there is a moderate physicochemical difference between valine and glutamic acid.